The following is an entry in ClinVar:

NM_053025.4(MYLK):c.1778C>T (p.Ser593Phe)

Gene: MYLK (myosin light chain kinase; minus strand). Cytogenetic location: 3q21.1.
Variant type: single nucleotide variant.
Coding change: c.1778C>T on transcript NM_053025.4 (MANE Select); coding-DNA position 1778, C replaced by T.
Protein change: p.Ser593Phe; replaces serine 593 with phenylalanine.
Molecular consequence: missense variant.
Genome position (GRCh38, 1-based): chr3:123,722,154, G>A on the plus strand (C>T on the coding strand, the complement: MYLK is on the minus strand). VCF-style: chr3-123722154-G-A. GRCh37 (hg19) VCF-style: chr3-123441001-G-A.
Other names: c.1250C>T, p.Ser417Phe (NM_001321309.2); c.1571C>T, p.Ser524Phe (NM_053026.4, NM_053028.4); c.1778C>T, p.Ser593Phe (NM_053027.4); c.1778C>T (NM_053025.3); short protein forms S417F, S524F, S593F.
Identifiers: ClinVar variation 2197284 (VCV002197284.5), dbSNP rs2062112514, ClinGen allele CA354235256.
Genomic context (GRCh38, chr3:123,722,154, plus strand): 5'-AGGTGCTTCTACCCAGGTGCCCAGAGGCTCCTACCATGGACGGTGACCCAGGCGCTGCAG[G>A]ACACCTGCCCCAAGGCATTCTCAGCTAGGCAGGTGTAGGTGCCATGGTCCTCCGGCAGGG-3'
Protein context (NP_444253.3, residues 583-603): CLAENALGQV[Ser593Phe]CSAWVTVHEK

ClinVar aggregate classification (germline): Uncertain significance. Review status: criteria provided, multiple submitters, no conflicts (2 of 4 stars). 2 submissions from 2 submitters: Uncertain significance (2). Last evaluated 2026-06-23.

Conditions:
Familial thoracic aortic aneurysm and aortic dissection (TAAD). Also called: Thoracic aortic aneurysms and dissections. Identifiers: Orphanet 91387, MedGen C4707243, MONDO:0019625.
Aortic aneurysm, familial thoracic 7 (AAT7). Also called: AORTIC DISSECTION, FAMILIAL, WITH OR WITHOUT AORTIC ANEURYSM. Identifiers: MedGen C3151077, MONDO:0013418, OMIM 613780.

Allele frequency attached by ClinVar (database versions not stated): gnomAD exomes below 0.00001; TOPMed below 0.00001.
gnomAD v4.1: 6 of 1,565,908 alleles (0.00038%); highest among the groups gnomAD compares: Non-Finnish European, 0.00043%; no homozygotes.

Submissions (2):

Ambry Genetics
Classification: Uncertain significance for Familial thoracic aortic aneurysm and aortic dissection. Last evaluated: 2026-06-23. Review status: criteria provided, single submitter. Criteria: Ambry Variant Classification Scheme 2023. Collection method: clinical testing. Allele origin: germline.
Comment: The p.S593F variant (also known as c.1778C>T), located in coding exon 10 of the MYLK gene, results from a C to T substitution at nucleotide position 1778. The serine at codon 593 is replaced by phenylalanine, an amino acid with highly dissimilar properties. This amino acid position is highly conserved in available vertebrate species. In addition, this alteration is predicted to be tolerated by in silico analysis. Based on the available evidence, the clinical significance of this variant remains unclear.

Labcorp Genetics (formerly Invitae), Labcorp
Classification: Uncertain significance for Aortic aneurysm, familial thoracic 7. Last evaluated: 2024-09-27. Review status: criteria provided, single submitter. Criteria: Invitae Variant Classification Sherloc (09022015). Collection method: clinical testing. Allele origin: germline.
Comment: This sequence change replaces serine, which is neutral and polar, with phenylalanine, which is neutral and non-polar, at codon 593 of the MYLK protein (p.Ser593Phe). This variant is not present in population databases (gnomAD no frequency). This variant has not been reported in the literature in individuals affected with MYLK-related conditions. ClinVar contains an entry for this variant (Variation ID: 2197284). Invitae Evidence Modeling of protein sequence and biophysical properties (such as structural, functional, and spatial information, amino acid conservation, physicochemical variation, residue mobility, and thermodynamic stability) indicates that this missense variant is not expected to disrupt MYLK protein function with a negative predictive value of 80%. In summary, the available evidence is currently insufficient to determine the role of this variant in disease. Therefore, it has been classified as a Variant of Uncertain Significance.